The following is an entry in ClinVar:

NM_014017.4(LAMTOR2):c.230T>G (p.Met77Arg)

Gene: LAMTOR2 (late endosomal/lysosomal adaptor, MAPK and MTOR activator 2; plus strand). Cytogenetic location: 1q22.
Variant type: single nucleotide variant.
Coding change: c.230T>G on transcript NM_014017.4 (MANE Select); coding-DNA position 230, T replaced by G.
Protein change: p.Met77Arg; replaces methionine 77 with arginine.
Molecular consequence: missense variant.
Genome position (GRCh38, 1-based): chr1:156,055,424, T>G. VCF-style: chr1-156055424-T-G. GRCh37 (hg19) VCF-style: chr1-156025215-T-G.
Other names: c.230T>G, p.Met77Arg (NM_001145264.2); short protein forms M77R.
Identifiers: ClinVar variation 3685234 (VCV003685234.2).

ClinVar aggregate classification (germline): Uncertain significance (1 of 4 stars; one submission).

Submission:

Labcorp Genetics (formerly Invitae), Labcorp
Classification: Uncertain significance. Last evaluated: 2024-03-16. Review status: criteria provided, single submitter. Criteria: Invitae Variant Classification Sherloc (09022015). Collection method: clinical testing. Allele origin: germline.
Comment: This sequence change replaces methionine, which is neutral and non-polar, with arginine, which is basic and polar, at codon 77 of the LAMTOR2 protein (p.Met77Arg). This variant is present in population databases (no rsID available, gnomAD 0.003%). This variant has not been reported in the literature in individuals affected with LAMTOR2-related conditions. An algorithm developed to predict the effect of missense changes on protein structure and function (PolyPhen-2) suggests that this variant is likely to be tolerated. In summary, the available evidence is currently insufficient to determine the role of this variant in disease. Therefore, it has been classified as a Variant of Uncertain Significance.